The following is an entry in ClinVar:

NM_000038.6(APC):c.8178T>A (p.Ile2726=)

Gene: APC (APC regulator of Wnt signaling pathway; plus strand). Cytogenetic location: 5q22.2.
Variant type: single nucleotide variant.
Coding change: c.8178T>A on transcript NM_000038.6 (MANE Select); coding-DNA position 8178, T replaced by A.
Protein change: p.Ile2726=; no amino-acid change (isoleucine 2726 retained).
Molecular consequence: synonymous variant.
Genome position (GRCh38, 1-based): chr5:112,843,772, T>A. VCF-style: chr5-112843772-T-A. GRCh37 (hg19) VCF-style: chr5-112179469-T-A.
Other names: c.8178T>A, p.Ile2726= (NM_001127510.3, NM_001354895.2); c.8124T>A, p.Ile2708= (NM_001127511.3); c.8232T>A, p.Ile2744= (NM_001354896.2); c.8208T>A, p.Ile2736= (NM_001354897.2); c.8103T>A, p.Ile2701= (NM_001354898.2); c.8094T>A, p.Ile2698= (NM_001354899.2); c.8055T>A, p.Ile2685= (NM_001354900.2); c.8001T>A, p.Ile2667= (NM_001354901.2); and 5 more.
Identifiers: ClinVar variation 631375 (VCV000631375.13), dbSNP rs1561621219, ClinGen allele CA446211270.

ClinVar aggregate classification (germline): Benign/Likely benign. Review status: criteria provided, multiple submitters, no conflicts (2 of 4 stars). 4 submissions from 4 submitters: Benign (1); Likely benign (3). Last evaluated 2024-04-12.

Conditions:
Hereditary cancer-predisposing syndrome. Also called: Tumor predisposition; Neoplastic Syndromes, Hereditary; Hereditary neoplastic syndrome; Hereditary Cancer Syndrome. Identifiers: Orphanet 140162, MedGen C0027672, MeSH D009386, MONDO:0015356.
Familial adenomatous polyposis 1 (FAP1). Also called: POLYPOSIS, ADENOMATOUS INTESTINAL; FAMILIAL ADENOMATOUS POLYPOSIS 1, ATTENUATED. Identifiers: MedGen C2713442, MONDO:0021056, OMIM 175100. Disease mechanism: loss of function.

Submissions (4):

Myriad Genetics, Inc.
Classification: Benign for Familial adenomatous polyposis 1. Last evaluated: 2024-04-12. Review status: criteria provided, single submitter. Criteria: Myriad Autosomal Dominant, Autosomal Recessive and X-Linked Classification Criteria (2023). Collection method: clinical testing. Allele origin: unknown.
Comment: This variant is considered benign. This variant is a silent/synonymous amino acid change and it is not expected to impact splicing.

Ambry Genetics
Classification: Likely benign for Hereditary cancer-predisposing syndrome. Last evaluated: 2024-04-07. Review status: criteria provided, single submitter. Criteria: Ambry Variant Classification Scheme 2023. Collection method: clinical testing. Allele origin: germline.

Labcorp Genetics (formerly Invitae), Labcorp
Classification: Likely benign for Familial adenomatous polyposis 1. Last evaluated: 2022-05-21. Review status: criteria provided, single submitter. Criteria: Invitae Variant Classification Sherloc (09022015). Collection method: clinical testing. Allele origin: germline.

Color Diagnostics, LLC DBA Color Health
Classification: Likely benign for Hereditary cancer-predisposing syndrome. Last evaluated: 2018-02-16. Review status: criteria provided, single submitter. Criteria: ACMG Guidelines, 2015. Collection method: clinical testing. Allele origin: germline.